The following is an entry in ClinVar:

ClinVar aggregate classification (germline): Conflicting classifications of pathogenicity. Review status: criteria provided, conflicting classifications (1 of 4 stars). 9 submissions from 8 submitters: Uncertain significance (5); Likely benign (2). 2 of the submissions do not count toward it. Last evaluated 2025-01-27.

Conditions:
USH2A-related disorder. Also called: USH2A-related disorders; USH2A-related condition. Identifiers: MedGen CN239332.
Usher syndrome type 2A. Also called: RETINAL DISEASE IN USHER SYNDROME TYPE IIA, MODIFIER OF; USHER SYNDROME, TYPE IIA. Identifiers: Orphanet 231178, Orphanet 886, MedGen C1848634, MONDO:0010169, OMIM 276901.
Retinitis pigmentosa 39 (RP39). Identifiers: Orphanet 791, MedGen C3151138, MONDO:0013436, OMIM 613809.

Allele frequency attached by ClinVar (database versions not stated): gnomAD exomes 0.00001.
gnomAD v4.1: 16 of 1,613,660 alleles (0.00099%); highest among the groups gnomAD compares: South Asian, 0.0033%; no homozygotes.

Submissions (9):

Women's Health and Genetics/Laboratory Corporation of America, LabCorp
Classification: Uncertain significance. Last evaluated: 2025-01-27. Review status: criteria provided, single submitter. Criteria: LabCorp Variant Classification Summary - May 2015. Collection method: clinical testing. Allele origin: germline.

PreventionGenetics, part of Exact Sciences
Classification: Likely benign for USH2A-related condition. Last evaluated: 2024-12-02. Review status: criteria provided, single submitter. Criteria: ACMG Guidelines, 2015. Collection method: clinical testing. Allele origin: germline.
Comment: This variant is classified as likely benign based on ACMG/AMP sequence variant interpretation guidelines (Richards et al. 2015 PMID: 25741868, with internal and published modifications).

Genome-Nilou Lab
Classification: Uncertain significance for Retinitis pigmentosa 39. Last evaluated: 2023-04-11. Review status: criteria provided, single submitter. Criteria: ACMG Guidelines, 2015. Collection method: clinical testing. Allele origin: germline. Affected: no.

Genome-Nilou Lab
Classification: Uncertain significance for Usher syndrome type 2A. Last evaluated: 2023-04-11. Review status: criteria provided, single submitter. Criteria: ACMG Guidelines, 2015. Collection method: clinical testing. Allele origin: germline. Affected: no.

Blueprint Genetics
Classification: Likely benign. Last evaluated: 2022-05-18. Review status: criteria provided, single submitter. Criteria: ACMG Guidelines, 2015. Collection method: clinical testing. Allele origin: germline.

Labcorp Genetics (formerly Invitae), Labcorp
Classification: Uncertain significance. Last evaluated: 2022-03-18. Review status: criteria provided, single submitter. Criteria: Invitae Variant Classification Sherloc (09022015). Collection method: clinical testing. Allele origin: germline.
Comment: This sequence change falls in intron 12 of the USH2A gene. It does not directly change the encoded amino acid sequence of the USH2A protein. It affects a nucleotide within the consensus splice site. This variant is present in population databases (rs200638562, gnomAD 0.006%). This variant has not been reported in the literature in individuals affected with USH2A-related conditions. ClinVar contains an entry for this variant (Variation ID: 48485). Variants that disrupt the consensus splice site are a relatively common cause of aberrant splicing (PMID: 17576681, 9536098). Algorithms developed to predict the effect of sequence changes on RNA splicing suggest that this variant is not likely to affect RNA splicing. In summary, the available evidence is currently insufficient to determine the role of this variant in disease. Therefore, it has been classified as a Variant of Uncertain Significance.

Laboratory for Molecular Medicine, Mass General Brigham Personalized Medicine
Classification: Uncertain significance. Last evaluated: 2011-06-29. Review status: criteria provided, single submitter. Criteria: LMM Criteria. Collection method: clinical testing. Allele origin: germline. Observed: 1 variant allele.
Comment: Variant classified as Uncertain Significance - Favor Benign. The 2167+4C>T varia nt in USH2A has not been reported in the literature nor previously identified by our laboratory. This variant is located in the 5' splice region but does not af fect the invariant +1 and +2 positions. Although position +4 is part of the spli ce site region, the reference sequence was already divergent from consensus (nor mally an A at this position) and therefore this variant is less likely to disrup t splicing. In summary, the clinical significance of this variant cannot be dete rmined with certainty at this time; however, given that there is currently no ev idence to suggest this variant is pathogenic, we would lean towards a more likel y benign role.

Natera, Inc.
Classification: Uncertain significance for Usher syndrome type 2A. Last evaluated: 2020-03-11. Review status: no assertion criteria provided. Collection method: clinical testing. Allele origin: germline. Not counted in ClinVar's aggregate classification.

Counsyl
Classification: Uncertain significance for Usher syndrome type 2A; Retinitis pigmentosa 39. Last evaluated: 2017-03-31. Review status: no assertion criteria provided. Collection method: clinical testing. Allele origin: unknown. Not counted in ClinVar's aggregate classification.

Literature cited by the submitters: PubMed 17576681 (cited by Labcorp Genetics (formerly Invitae), Labcorp); PubMed 9536098 (cited by Labcorp Genetics (formerly Invitae), Labcorp).

NM_206933.4(USH2A):c.2167+4C>T

Gene: USH2A (usherin; minus strand). Cytogenetic location: 1q41.
Variant type: single nucleotide variant.
Coding change: c.2167+4C>T on transcript NM_206933.4 (MANE Select); 4 bases into the intron after coding-DNA position 2167, C replaced by T.
Molecular consequence: intron variant.
Genome position (GRCh38, 1-based): chr1:216,250,899, G>A on the plus strand (C>T on the coding strand, the complement: USH2A is on the minus strand). VCF-style: chr1-216250899-G-A. GRCh37 (hg19) VCF-style: chr1-216424241-G-A.
Other names: c.2167+4C>T (NM_007123.6).
Identifiers: ClinVar variation 48485 (VCV000048485.13), dbSNP rs200638562, ClinGen allele CA143439.